The following is an entry in ClinVar:

ClinVar aggregate classification (germline): Uncertain significance. Review status: criteria provided, multiple submitters, no conflicts (2 of 4 stars). 3 submissions from 3 submitters: Uncertain significance (3). Last evaluated 2025-10-22.

Conditions:
Inborn genetic diseases. Identifiers: MedGen C0950123, MeSH D030342.
Baller-Gerold syndrome (BGS). Also called: CRANIOSYNOSTOSIS WITH RADIAL DEFECTS. Identifiers: Orphanet 1225, MedGen C0265308, MONDO:0009039, OMIM 218600.

Allele frequency attached by ClinVar (database versions not stated): gnomAD exomes 0.00001 and 0.00002; ExAC 0.00003; gnomAD 0.00009; TOPMed 0.00010; 1000 Genomes Project 30x 0.00016; 1000 Genomes Project 0.00020.
gnomAD v4.1: 20 of 1,610,118 alleles (0.0012%); highest among the groups gnomAD compares: African/African-American, 0.026%; no homozygotes.

Submissions (3):

Labcorp Genetics (formerly Invitae), Labcorp
Classification: Uncertain significance for Baller-Gerold syndrome. Last evaluated: 2025-10-22. Review status: criteria provided, single submitter. Criteria: Invitae Variant Classification Sherloc (09022015). Collection method: clinical testing. Allele origin: germline.
Comment: This sequence change replaces cysteine, which is neutral and slightly polar, with arginine, which is basic and polar, at codon 389 of the RECQL4 protein (p.Cys389Arg). This variant is present in population databases (rs551814194, gnomAD 0.03%). This variant has not been reported in the literature in individuals affected with RECQL4-related conditions. ClinVar contains an entry for this variant (Variation ID: 662916). Invitae Evidence Modeling of protein sequence and biophysical properties (such as structural, functional, and spatial information, amino acid conservation, physicochemical variation, residue mobility, and thermodynamic stability) indicates that this missense variant is not expected to disrupt RECQL4 protein function with a negative predictive value of 80%. In summary, the available evidence is currently insufficient to determine the role of this variant in disease. Therefore, it has been classified as a Variant of Uncertain Significance.

GeneDx
Classification: Uncertain significance. Last evaluated: 2025-02-23. Review status: criteria provided, single submitter. Criteria: GeneDx Variant Classification Process June 2021. Collection method: clinical testing. Allele origin: germline. Affected: yes.
Comment: In silico analysis indicates that this missense variant does not alter protein structure/function; Has not been previously published as pathogenic or benign to our knowledge

Ambry Genetics
Classification: Uncertain significance for Inborn genetic diseases. Last evaluated: 2024-11-18. Review status: criteria provided, single submitter. Criteria: Ambry Variant Classification Scheme 2023. Collection method: clinical testing. Allele origin: germline.
Comment: The p.C389R variant (also known as c.1165T>C), located in coding exon 6 of the RECQL4 gene, results from a T to C substitution at nucleotide position 1165. The cysteine at codon 389 is replaced by arginine, an amino acid with highly dissimilar properties. This amino acid position is conserved. In addition, this alteration is predicted to be tolerated by in silico analysis. Based on the available evidence, the clinical significance of this variant remains unclear.

NM_004260.4(RECQL4):c.1165T>C (p.Cys389Arg)

Gene: RECQL4 (RecQ like helicase 4; minus strand). Cytogenetic location: 8q24.3.
Variant type: single nucleotide variant.
Coding change: c.1165T>C on transcript NM_004260.4 (MANE Select); coding-DNA position 1165, T replaced by C.
Protein change: p.Cys389Arg; replaces cysteine 389 with arginine.
Molecular consequence: missense variant.
Genome position (GRCh38, 1-based): chr8:144,515,857, A>G on the plus strand (T>C on the coding strand, the complement: RECQL4 is on the minus strand). VCF-style: chr8-144515857-A-G. GRCh37 (hg19) VCF-style: chr8-145741241-A-G.
Other names: short protein forms C389R.
Identifiers: ClinVar variation 662916 (VCV000662916.10), dbSNP rs551814194, ClinGen allele CA4949003.